The following continues an entry in ClinVar:

NM_000092.5(COL4A4):c.2906C>G (p.Ser969Ter)

Gene: COL4A4. ClinVar aggregate classification (germline): Pathogenic. Pathogenic (21).

Submissions 9 to 24 of 24:

Natera, Inc.
Classification: Pathogenic for Alport syndrome. Last evaluated: 2025-04-17. Review status: criteria provided, single submitter. Criteria: Natera Variant Classification Schema (03/2026). Collection method: clinical testing. Allele origin: germline.
Comment: The c.2906C>G variant in COL4A4 is a nonsense variant predicted to introduce a stop codon at amino acid 969. This variant is expected to result in nonsense mediated decay, truncation, or a dysfunctional protein product. This variant is rare in the general population with a frequency below the threshold expected for the associated phenotype(s). This variant has been observed in one or more individuals affected with the associated recessive disease, as either homozygous or compound heterozygous with a second variant (PMID: 24052634). Given the available evidence, this variant is classified as Pathogenic.

Fulgent Genetics
Classification: Pathogenic for Hematuria, benign familial, 1; Autosomal recessive Alport syndrome. Last evaluated: 2024-06-05. Review status: criteria provided, single submitter. Criteria: ACMG Guidelines, 2015. Collection method: clinical testing. Allele origin: germline.

Blueprint Genetics
Classification: Pathogenic for COL4A4-related disorders. Last evaluated: 2024-03-04. Review status: criteria provided, single submitter. Criteria: ACMG Guidelines, 2015. Collection method: clinical testing. Allele origin: germline. Affected: yes. Observed: 5 variant alleles.

Revvity Omics, Revvity
Classification: Pathogenic. Last evaluated: 2023-05-31. Review status: criteria provided, single submitter. Criteria: ACMG Guidelines, 2015. Collection method: clinical testing. Allele origin: germline.

Molecular Genetics, Royal Melbourne Hospital
Classification: Pathogenic for Autosomal recessive Alport syndrome. Last evaluated: 2023-03-30. Review status: criteria provided, single submitter. Criteria: ACMG Guidelines, 2015. Collection method: clinical testing. Allele origin: germline. Affected: yes.
Comment: This sequence change creates a premature termination codon at position 969 in exon 32 (of 48) of COL4A4 (p.Ser969*). It is expected to result in an absent or disrupted protein product in a gene where loss of function is a well-established mechanism of disease (PVS1). The variant is present in a large population cohort at a frequency of 0.006%, which is consistent with a recessive condition (rs35138315, 18/280956 alleles, 0 homozygotes in gnomAD v2.1.1 - PM2_Supporting). Furthermore, it has been reported as homozygous and compound heterozygous with a second pathogenic allele in multiple cases with Alport syndrome (PMID: 24052634 - PM3_Strong). Based on the classification scheme RMH ACMG Guidelines v1.2.1, this variant is classified as PATHOGENIC. Following criteria are met: PVS1, PM3_Strong, PM2_Supporting.

Pittsburgh Clinical Genomics Laboratory, University of Pittsburgh Medical Center
Classification: Pathogenic for Autosomal recessive Alport syndrome. Last evaluated: 2023-03-21. Review status: criteria provided, single submitter. Criteria: ACMG Guidelines, 2015. Collection method: clinical testing. Allele origin: germline. Inheritance: Autosomal unknown. Affected: yes.
Comment: This sequence variant is a single nucleotide substitution (C>G) at coding position 2906 of the COL4A4 gene that generates an early termition codon at Ser969 of the COL4A4 protein. As this variant occurs in exon 32 of 48, it is expected to result in loss of COL4A expression through expression of a truncated protein product or nonsense-mediated decay. This is a previously reported variant (ClinVar) that has been observed in the literature in several individuals with Alport Syndrome (PMID: 24052634) and focal segmental glomerulosclerosis (PMID: 26346198). This variant is present in the gnomAD population database (8 of 280956 alleles or 0.0064%). Because haploinsufficiency is a known mechanism of disease for COL4A4, we consider this variant to be pathogenic. ACMG Criteria: PM2, PP5, PVS1

Women's Health and Genetics/Laboratory Corporation of America, LabCorp
Classification: Pathogenic for Autosomal recessive Alport syndrome. Last evaluated: 2023-02-15. Review status: criteria provided, single submitter. Criteria: LabCorp Variant Classification Summary - May 2015. Collection method: clinical testing. Allele origin: germline.
Comment: Variant summary: COL4A4 c.2906C>G (p.Ser969X) results in a premature termination codon, predicted to cause a truncation of the encoded protein or absence of the protein due to nonsense mediated decay, which are commonly known mechanisms for disease. Truncations downstream of this position have been associated with Alport Syndrome in HGMD. The variant allele was found at a frequency of 6.8e-05 in 249564 control chromosomes. This frequency is not significantly higher than estimated for a pathogenic variant in COL4A4 causing Alport Syndrome, Autosomal Recessive (6.8e-05 vs 0.0016), allowing no conclusion about variant significance. c.2906C>G has been reported in the literature in multiple individuals affected with Alport Syndrome, Autosomal Recessive (Dagher_2002, Storey_2013, etc). These data indicate that the variant is very likely to be associated with disease. To our knowledge, no experimental evidence demonstrating an impact on protein function has been reported. 12 ClinVar submitters have submitted clinical-significance assessments for this variant to ClinVar after 2014. All laboratories classified the variant as pathogenic. Based on the evidence outlined above, the variant was classified as pathogenic.

Greenwood Genetic Center Diagnostic Laboratories, Greenwood Genetic Center
Classification: Pathogenic for COL4A4-related disorder. Last evaluated: 2022-05-26. Review status: criteria provided, single submitter. Criteria: ACMG Guidelines, 2015. Collection method: clinical testing. Allele origin: germline. Affected: yes.
Comment: PVS1, PS1_Supporting, PM2, PM3

Cavalleri Lab, Royal College of Surgeons in Ireland
Classification: Pathogenic for Chronic kidney disease. Last evaluated: 2020-05-28. Review status: criteria provided, single submitter. Criteria: ACMG Guidelines, 2015. Collection method: research. Allele origin: unknown. Inheritance: Autosomal dominant inheritance. Affected: yes.
Comment: PVS1, PS1

Cavalleri Lab, Royal College of Surgeons in Ireland
Classification: Pathogenic for Autosomal recessive Alport syndrome. Last evaluated: 2020-05-27. Review status: criteria provided, single submitter. Criteria: ACMG Guidelines, 2015. Collection method: research. Allele origin: unknown. Inheritance: Autosomal dominant inheritance. Affected: yes. Observed: 1 heterozygote.

Cambridge Genomics Laboratory, East Genomic Laboratory Hub, NHS Genomic Medicine Service
Classification: Pathogenic for Benign familial hematuria. Last evaluated: 2020-01-06. Review status: criteria provided, single submitter. Criteria: ACGS Best Practice Guidelines for Variant Classification in Rare Disease 2020. Collection method: clinical testing. Allele origin: germline. Affected: yes. Observed: 1 variant allele.

Baylor Genetics
Classification: Pathogenic for Autosomal recessive Alport syndrome. Last evaluated: 2018-12-18. Review status: criteria provided, single submitter. Criteria: ACMG Guidelines, 2015. Collection method: clinical testing. Allele origin: maternal. Affected: yes.
Comment: This variant was determined to be pathogenic according to ACMG Guidelines, 2015 [PMID:25741868].

Fulgent Genetics
Classification: Pathogenic for Autosomal recessive Alport syndrome. Last evaluated: 2018-10-31. Review status: criteria provided, single submitter. Criteria: ACMG Guidelines, 2015. Collection method: clinical testing. Allele origin: unknown.

Sydney Genome Diagnostics, Children's Hospital Westmead
Classification: Pathogenic for Alport syndrome. Last evaluated: 2018-04-03. Review status: no assertion criteria provided. Collection method: clinical testing. Allele origin: unknown. Affected: yes. Observed: 1 variant allele, 1 heterozygote. Not counted in ClinVar's aggregate classification.
Comment: This variant creates a premature stop codon p.(Ser969*) and may result in a null allele due to nonsense-mediated mRNA decay. This variant has been widely reported in patients with autosomal recessive Alport syndrome (Storey et al 2013 J Am Soc Nephrol 24: 1945-1954), and some patients with thin basement membrane nephropathy (Buzza et al 2003 Kidney Int 63:447-453). This variant has been reported in the gnomAD browser with a low allele frequency of 0.006% (18/ 277, 194 alleles). This variant is considered to be pathogenic according to the ACMG guidelines.

Counsyl
Classification: Pathogenic for Autosomal recessive Alport syndrome. Last evaluated: 2016-11-18. Review status: no assertion criteria provided. Collection method: clinical testing. Allele origin: unknown. Not counted in ClinVar's aggregate classification.

Genomics England Pilot Project, Genomics England
Classification: Likely pathogenic for Hematuria, benign familial, 1. Review status: no assertion criteria provided. Criteria: ACGS Guidelines, 2016. Collection method: clinical testing. Allele origin: germline. Affected: yes. Not counted in ClinVar's aggregate classification.

Literature cited by the submitters: PubMed 38214412 (cited by Victorian Clinical Genetics Services, Murdoch Childrens Research Institute); PubMed 24046192 (cited by Victorian Clinical Genetics Services, Murdoch Childrens Research Institute); PubMed 12631110 (cited by Victorian Clinical Genetics Services, Murdoch Childrens Research Institute); PubMed 26346198 (cited by 3 submitters); PubMed 24052634 (cited by 8 submitters); PubMed 12028435 (cited by Victorian Clinical Genetics Services, Murdoch Childrens Research Institute); PubMed 21196518 (cited by Labcorp Genetics (formerly Invitae), Labcorp and Variantyx, Inc.); PubMed 24854265 (cited by Labcorp Genetics (formerly Invitae), Labcorp and Variantyx, Inc.); PubMed 25307543 (cited by Labcorp Genetics (formerly Invitae), Labcorp and Variantyx, Inc.); PubMed 12325029 (cited by 5 submitters).